The following is an entry in ClinVar:

ClinVar aggregate classification (germline): Uncertain significance (0 of 4 stars; one submission).

Conditions:
NR0B2-related disorder. Also called: NR0B2-related condition.

Allele frequency attached by ClinVar (database versions not stated): gnomAD exomes 0.00002; gnomAD 0.00007; TOPMed 0.00010.
gnomAD v4.1: 34 of 1,507,922 alleles (0.0023%); highest among the groups gnomAD compares: Admixed American, 0.047%; no homozygotes.

Submission:

PreventionGenetics, part of Exact Sciences
Classification: Uncertain significance for NR0B2-related condition. Last evaluated: 2024-07-02. Review status: no assertion criteria provided. Collection method: clinical testing. Allele origin: germline.
Comment: The NR0B2 c.101G>A variant is predicted to result in the amino acid substitution p.Arg34Gln. To our knowledge, this variant has not been reported in the literature. Of note, a different variant affecting this same amino acid residue (p.Arg34Gly) has been reported in an individual with obesity, but it was found that the variant did not segregate with disease in the family (Hung et al. 2003. PubMed ID: 12716767). The c.101G>A (p.Arg34Gln) variant is reported in 0.046% of alleles in individuals of Latino descent in gnomAD. At this time, the clinical significance of this variant is uncertain due to the absence of conclusive functional and genetic evidence.

NM_021969.3(NR0B2):c.101G>A (p.Arg34Gln)

Genes: NR0B2 (nuclear receptor subfamily 0 group B member 2; minus strand), NUDC (nuclear distribution C, dynein complex regulator; plus strand). Cytogenetic location: 1p36.11.
Variant type: single nucleotide variant.
Coding change: c.101G>A on transcript NM_021969.3 (MANE Select); coding-DNA position 101, G replaced by A.
Protein change: p.Arg34Gln; replaces arginine 34 with glutamine.
Molecular consequence: missense variant.
Genome position (GRCh38, 1-based): chr1:26,913,840, C>T on the plus strand (G>A on the coding strand, the complement: NR0B2 is on the minus strand). VCF-style: chr1-26913840-C-T. GRCh37 (hg19) VCF-style: chr1-27240331-C-T.
Other names: short protein forms R34Q.
Identifiers: ClinVar variation 3059118 (VCV003059118.2), dbSNP rs759817886, ClinGen allele CA709732.